The following is an entry in ClinVar:

ClinVar aggregate classification (germline): Pathogenic/Likely pathogenic. Review status: criteria provided, multiple submitters, no conflicts (2 of 4 stars). 3 submissions from 3 submitters: Pathogenic (2); Likely pathogenic (1). Last evaluated 2026-01-12.

Conditions:
Autosomal recessive polycystic kidney disease (ARPKD). Also called: AR polycystic kidney disease. Identifiers: Orphanet 731, Orphanet 8378, MedGen C0085548, MeSH D017044, MONDO:0009889.
Polycystic kidney disease 4 (PKD4). Also called: POLYCYSTIC KIDNEY AND HEPATIC DISEASE 1; POLYCYSTIC KIDNEY DISEASE, INFANTILE, TYPE I; Autosomal Recessive Polycystic Kidney Disease – PKHD1; POLYCYSTIC KIDNEY DISEASE 4 WITH OR WITHOUT POLYCYSTIC LIVER DISEASE; PKD3. Identifiers: MedGen C4540575, MONDO:0033004, OMIM 263200.

Submissions (3):

Natera, Inc.
Classification: Likely pathogenic for Autosomal recessive polycystic kidney disease. Last evaluated: 2026-01-12. Review status: criteria provided, single submitter. Criteria: Natera Variant Classification Schema (03/2026). Collection method: clinical testing. Allele origin: germline.
Comment: The c.11830delC variant in PKHD1 is a frameshift variant predicted to shift the reading frame beginning at codon 3944 and leads to a stop codon 3 codons downstream. This variant is expected to result in nonsense mediated decay, truncation, or a dysfunctional protein product. This variant is rare in the general population with a frequency below the threshold expected for the associated phenotype(s). Given the available evidence, this variant is classified as Likely Pathogenic.

Myriad Genetics, Inc.
Classification: Pathogenic for Polycystic kidney disease 4. Last evaluated: 2025-07-18. Review status: criteria provided, single submitter. Criteria: Myriad Autosomal Dominant, Autosomal Recessive and X-Linked Classification Criteria (2023). Collection method: clinical testing. Allele origin: unknown.
Comment: NM_138694.3(PKHD1):c.11830delC(H3944Tfs*3) is a frameshift variant classified as pathogenic in the context of autosomal recessive polycystic kidney disease, PKHD1-related. H3944Tfs*3 has not been observed in cases with relevant disease. Relevant functional assessments of this variant are not available in the literature. H3944Tfs*3 has not been observed in referenced population frequency databases. In summary, NM_138694.3(PKHD1):c.11830delC(H3944Tfs*3) is a frameshift variant in a gene where loss of function is a known mechanism of disease and is predicted to disrupt protein function. Please note: this variant was assessed in the context of healthy population screening.

Labcorp Genetics (formerly Invitae), Labcorp
Classification: Pathogenic for Autosomal recessive polycystic kidney disease. Last evaluated: 2024-04-04. Review status: criteria provided, single submitter. Criteria: Invitae Variant Classification Sherloc (09022015). Collection method: clinical testing. Allele origin: germline.
Comment: This sequence change creates a premature translational stop signal (p.His3944Thrfs*3) in the PKHD1 gene. While this is not anticipated to result in nonsense mediated decay, it is expected to disrupt the last 131 amino acid(s) of the PKHD1 protein. This variant is not present in population databases (gnomAD no frequency). This variant has not been reported in the literature in individuals affected with PKHD1-related conditions. This variant disrupts a region of the PKHD1 protein in which other variant(s) (p.Arg3961*) have been determined to be pathogenic (Invitae). This suggests that this is a clinically significant region of the protein, and that variants that disrupt it are likely to be disease-causing. For these reasons, this variant has been classified as Pathogenic.

NM_138694.4(PKHD1):c.11830del (p.His3944fs)

Gene: PKHD1 (PKHD1 ciliary IPT domain containing fibrocystin/polyductin; minus strand). Cytogenetic location: 6p12.3.
Variant type: Deletion.
Coding change: c.11830del on transcript NM_138694.4 (MANE Select); coding-DNA position 11830, one base deleted (C; older notation c.11830delC).
Protein change: p.His3944fs; shifts the reading frame from histidine 3944.
Molecular consequence: frameshift variant.
Genome position (GRCh38, 1-based): chr6:51,619,476, G deleted on the plus strand (C on the coding strand, the reverse complement: PKHD1 is on the minus strand); the first of 5 consecutive G bases (chr6:51,619,476-51,619,480); deleting any one gives the same sequence. VCF-style (leftmost placement, unchanged base first): chr6-51619475-TG-T. GRCh37 (hg19) VCF-style: chr6-51484273-TG-T.
Other names: short protein forms H3944fs.
Identifiers: ClinVar variation 2815742 (VCV002815742.5), dbSNP rs774086520, ClinGen allele CA3850680.
Genomic context (GRCh38, chr6:51,619,475, plus strand): 5'-TCTTCCTCTCGGACAATGTGGCGGCTAACTTTCCTTCTGGACACTCCATTCATCAACTGG[TG>T]GGGGCACTGGTTCACCTTGCCCAGCATGACCTTCATTCTCATATCTGGGGGGAAAAGAAA-3'